The following is an entry in ClinVar:

ClinVar aggregate classification (germline): Uncertain significance (1 of 4 stars; one submission).

gnomAD v4.1: 197 of 1,614,000 alleles (0.012%); highest among the groups gnomAD compares: Middle Eastern, 0.066%; no homozygotes.

Submission:

Labcorp Genetics (formerly Invitae), Labcorp
Classification: Uncertain significance. Last evaluated: 2024-07-04. Review status: criteria provided, single submitter. Criteria: Invitae Variant Classification Sherloc (09022015). Collection method: clinical testing. Allele origin: germline.
Comment: This sequence change replaces threonine, which is neutral and polar, with methionine, which is neutral and non-polar, at codon 1314 of the IGSF10 protein (p.Thr1314Met). This variant is present in population databases (rs377262794, gnomAD 0.03%). This variant has not been reported in the literature in individuals affected with IGSF10-related conditions. Algorithms developed to predict the effect of missense changes on protein structure and function output the following: SIFT: "Not Available"; PolyPhen-2: "Benign"; Align-GVGD: "Not Available". The methionine amino acid residue is found in multiple mammalian species, which suggests that this missense change does not adversely affect protein function. In summary, the available evidence is currently insufficient to determine the role of this variant in disease. Therefore, it has been classified as a Variant of Uncertain Significance.

NM_178822.5(IGSF10):c.3941C>T (p.Thr1314Met)

Gene: IGSF10 (immunoglobulin superfamily member 10; minus strand). Cytogenetic location: 3q25.1.
Variant type: single nucleotide variant.
Coding change: c.3941C>T on transcript NM_178822.5 (MANE Select); coding-DNA position 3941, C replaced by T.
Protein change: p.Thr1314Met; replaces threonine 1314 with methionine.
Molecular consequence: missense variant.
Genome position (GRCh38, 1-based): chr3:151,446,040, G>A on the plus strand (C>T on the coding strand, the complement: IGSF10 is on the minus strand). VCF-style: chr3-151446040-G-A. GRCh37 (hg19) VCF-style: chr3-151163828-G-A.
Other names: c.3941C>T, p.Thr1314Met (NM_001385060.1, NM_001385061.1, NM_001385062.1 and 1 more transcripts); short protein forms T1314M.
Identifiers: ClinVar variation 3673344 (VCV003673344.2).
Genomic context (GRCh38, chr3:151,446,040, plus strand): 5'-GTTTCATAAGTGATGACAGATGCAGGGAAGGTAGGAGTTGTTGCTGGTATTGCTGTTTGC[G>A]TTGATATGATGCTTTTTGTACTTGAGTCTTTGCTTATAATACTAGGAAGCATAGGGTTAA-3'
Protein context (NP_849144.2, residues 1304-1324): KDSSTKSIIS[Thr1314Met]QTAIPATTPT